The following is an entry in ClinVar:

NM_006767.4(LZTR1):c.584del (p.Gly195fs)

Gene: LZTR1 (leucine zipper like post translational regulator 1; plus strand). Cytogenetic location: 22q11.21.
Variant type: Deletion.
Coding change: c.584del on transcript NM_006767.4 (MANE Select); coding-DNA position 584, one base deleted (G; older notation c.584delG).
Protein change: p.Gly195fs; shifts the reading frame from glycine 195.
Molecular consequence: frameshift variant.
Genome position (GRCh38, 1-based): chr22:20,988,863, G deleted; the last of 2 consecutive G bases (chr22:20,988,862-20,988,863); deleting either gives the same sequence. VCF-style (leftmost placement, unchanged base first): chr22-20988861-CG-C. GRCh37 (hg19) VCF-style: chr22-21343150-CG-C.
Other names: short protein forms G195fs.
Identifiers: ClinVar variation 3640265 (VCV003640265.2).

ClinVar aggregate classification (germline): Pathogenic (1 of 4 stars; one submission).

Submission:

Labcorp Genetics (formerly Invitae), Labcorp
Classification: Pathogenic. Last evaluated: 2024-02-12. Review status: criteria provided, single submitter. Criteria: Invitae Variant Classification Sherloc (09022015). Collection method: clinical testing. Allele origin: germline.
Comment: This sequence change creates a premature translational stop signal (p.Gly195Alafs*5) in the LZTR1 gene. It is expected to result in an absent or disrupted protein product. Loss-of-function variants in LZTR1 are known to be pathogenic (PMID: 24362817, 25335493, 25480913, 25795793, 29469822, 30368668, 30442762, 30442766, 30481304, 30859559). This variant is not present in population databases (gnomAD no frequency). This variant has not been reported in the literature in individuals affected with LZTR1-related conditions. For these reasons, this variant has been classified as Pathogenic.

Literature cited by the submitters: PubMed 24362817; PubMed 25335493; PubMed 25480913; PubMed 25795793; PubMed 29469822; PubMed 30368668; PubMed 30442762; PubMed 30442766; PubMed 30481304; PubMed 30859559.